The following is an entry in ClinVar:

ClinVar aggregate classification (germline): Uncertain significance (1 of 4 stars; one submission).

Allele frequency attached by ClinVar (database versions not stated): gnomAD 0.00001 and 0.00004; gnomAD exomes 0.00001 and 0.00002; ExAC 0.00002; TOPMed 0.00003; 1000 Genomes Project 0.00060; 1000 Genomes Project 30x 0.00062.
gnomAD v4.1: 16 of 1,614,098 alleles (0.00099%); highest among the groups gnomAD compares: East Asian, 0.013%; no homozygotes.

Submission:

Labcorp Genetics (formerly Invitae), Labcorp
Classification: Uncertain significance. Last evaluated: 2022-08-09. Review status: criteria provided, single submitter. Criteria: Invitae Variant Classification Sherloc (09022015). Collection method: clinical testing. Allele origin: germline.
Comment: This sequence change replaces serine, which is neutral and polar, with phenylalanine, which is neutral and non-polar, at codon 540 of the GPC6 protein (p.Ser540Phe). This variant is present in population databases (rs183272194, gnomAD 0.02%). In summary, the available evidence is currently insufficient to determine the role of this variant in disease. Therefore, it has been classified as a Variant of Uncertain Significance. Algorithms developed to predict the effect of missense changes on protein structure and function (SIFT, PolyPhen-2, Align-GVGD) all suggest that this variant is likely to be tolerated. ClinVar contains an entry for this variant (Variation ID: 1425353). This variant has not been reported in the literature in individuals affected with GPC6-related conditions.

NM_005708.5(GPC6):c.1619C>T (p.Ser540Phe)

Gene: GPC6 (glypican 6; plus strand). Cytogenetic location: 13q32.1.
Variant type: single nucleotide variant.
Coding change: c.1619C>T on transcript NM_005708.5 (MANE Select); coding-DNA position 1619, C replaced by T.
Protein change: p.Ser540Phe; replaces serine 540 with phenylalanine.
Molecular consequence: missense variant.
Genome position (GRCh38, 1-based): chr13:94,403,168, C>T. VCF-style: chr13-94403168-C-T. GRCh37 (hg19) VCF-style: chr13-95055422-C-T.
Other names: short protein forms S540F.
Identifiers: ClinVar variation 1425353 (VCV001425353.8), dbSNP rs183272194, ClinGen allele CA7017230.
Genomic context (GRCh38, chr13:94,403,168, plus strand): 5'-TGGATCCCGACCGGAGAGAGGTGGACTCTTCTGCAGCCCAGCGTGGCCACTCCCTGCTCT[C>T]CTGGTCTCTCACCTGCATTGTCCTGGCACTGCAGAGACTGTGCAGATAATCTTGGGTTTT-3'
Protein context (NP_005699.1, residues 530-550): SAAQRGHSLL[Ser540Phe]WSLTCIVLAL